The following is an entry in ClinVar:

ClinVar aggregate classification (germline): Uncertain significance (1 of 4 stars; one submission).

Conditions:
Inborn genetic diseases. Identifiers: MedGen C0950123, MeSH D030342.

Submission:

Ambry Genetics
Classification: Uncertain significance for Inborn genetic diseases. Last evaluated: 2021-09-30. Review status: criteria provided, single submitter. Criteria: Ambry Variant Classification Scheme 2023. Collection method: clinical testing. Allele origin: germline.
Comment: The p.H2621Y variant (also known as c.7861C>T), located in coding exon 47 of the ATR gene, results from a C to T substitution at nucleotide position 7861. The histidine at codon 2621 is replaced by tyrosine, an amino acid with similar properties. This amino acid position is conserved. In addition, this alteration is predicted to be deleterious by in silico analysis. Since supporting evidence is limited at this time, the clinical significance of this alteration remains unclear.

NM_001184.4(ATR):c.7861C>T (p.His2621Tyr)

Gene: ATR (ATR checkpoint kinase; minus strand). Cytogenetic location: 3q23.
Variant type: single nucleotide variant.
Coding change: c.7861C>T on transcript NM_001184.4 (MANE Select); coding-DNA position 7861, C replaced by T.
Protein change: p.His2621Tyr; replaces histidine 2621 with tyrosine.
Molecular consequence: missense variant.
Genome position (GRCh38, 1-based): chr3:142,449,503, G>A on the plus strand (C>T on the coding strand, the complement: ATR is on the minus strand). VCF-style: chr3-142449503-G-A. GRCh37 (hg19) VCF-style: chr3-142168345-G-A.
Other names: c.7669C>T, p.His2557Tyr (NM_001354579.2); short protein forms H2621Y, H2557Y.
Identifiers: ClinVar variation 1760925 (VCV001760925.2), dbSNP rs2473008888, ClinGen allele CA354793780.
Genomic context (GRCh38, chr3:142,449,503, plus strand): 5'-TCCAACCAAGATACATCTGGCATAGTAAGTTTTCATCAGTAGCTTCCTGTATAAGGTAAT[G>A]CACATGTCCTTCAATAGATAACGGCAGTCCTGTCACTCTATTTCGAGTCTTGATTACACC-3'
Protein context (NP_001175.2, residues 2611-2631): GLPLSIEGHV[His2621Tyr]YLIQEATDEN